The following is an entry in ClinVar:

NM_001122681.2(SH3BP2):c.49G>A (p.Ala17Thr)

Gene: SH3BP2 (SH3 domain binding protein 2; plus strand). Cytogenetic location: 4p16.3.
Variant type: single nucleotide variant.
Coding change: c.49G>A on transcript NM_001122681.2 (MANE Select); coding-DNA position 49, G replaced by A.
Protein change: p.Ala17Thr; replaces alanine 17 with threonine.
Molecular consequence: missense variant.
Genome position (GRCh38, 1-based): chr4:2,820,666, G>A. VCF-style: chr4-2820666-G-A. GRCh37 (hg19) VCF-style: chr4-2822393-G-A.
Other names: c.133G>A, p.Ala45Thr (NM_001145855.2); c.220G>A, p.Ala74Thr (NM_001145856.2); c.49G>A, p.Ala17Thr (NM_003023.4); short protein forms A17T, A45T, A74T.
Identifiers: ClinVar variation 2632392 (VCV002632392.1), dbSNP rs2530312300, ClinGen allele CA356052895.
Genomic context (GRCh38, chr4:2,820,666, plus strand): 5'-TATTGCAGCTTCATGGCGGCTGAAGAGATGCATTGGCCTGTCCCTATGAAGGCCATTGGT[G>A]CCCAGAACCTGCTAACCATGCCTGGGGGCGTGGCCAAGGCTGGCTACCTGCACAAGAAGG-3'
Protein context (NP_001116153.1, residues 7-27): HWPVPMKAIG[Ala17Thr]QNLLTMPGGV

ClinVar aggregate classification (germline): Uncertain significance (1 of 4 stars; one submission).

Conditions:
SH3BP2-related disorder. Also called: SH3BP2-related condition.

Allele frequency attached by ClinVar (database versions not stated): gnomAD exomes 0.00001.
gnomAD v4.1: 15 of 1,614,170 alleles (0.00093%); highest among the groups gnomAD compares: Non-Finnish European, 0.0013%; no homozygotes.

Submission:

PreventionGenetics, part of Exact Sciences
Classification: Uncertain significance for SH3BP2-related condition. Last evaluated: 2023-06-01. Review status: criteria provided, single submitter. Criteria: ACMG Guidelines, 2015. Collection method: clinical testing. Allele origin: germline.
Comment: The SH3BP2 c.49G>A variant is predicted to result in the amino acid substitution p.Ala17Thr. To our knowledge, this variant has not been reported in the literature or in a large population database, indicating this variant is rare. At this time, the clinical significance of this variant is uncertain due to the absence of conclusive functional and genetic evidence.